The following is an entry in ClinVar:

NM_001306080.2(LMO7):c.4434G>A (p.Gln1478=)

Gene: LMO7 (LIM domain 7; plus strand). Cytogenetic location: 13q22.2.
Variant type: single nucleotide variant.
Coding change: c.4434G>A on transcript NM_001306080.2 (MANE Select); coding-DNA position 4434, G replaced by A.
Protein change: p.Gln1478=; no amino-acid change (glutamine 1478 retained).
Molecular consequence: synonymous variant.
Genome position (GRCh38, 1-based): chr13:75,853,161, G>A. VCF-style: chr13-75853161-G-A. GRCh37 (hg19) VCF-style: chr13-76427297-G-A.
Other names: c.3735G>A, p.Gln1245= (NM_001330583.1, NM_001366632.2, NM_015842.2); c.4308G>A, p.Gln1436= (NM_001366633.2); c.3453G>A, p.Gln1151= (NM_001366634.2, NM_001366636.2); c.3588G>A, p.Gln1196= (NM_005358.5).
Identifiers: ClinVar variation 4989141 (VCV004989141.1).

ClinVar aggregate classification (germline): Likely benign (1 of 4 stars; one submission).

Conditions:
LMO7-related disorder. Also called: LMO7-related condition.

gnomAD v4.1: 9 of 1,613,902 alleles (0.00056%); highest among the groups gnomAD compares: East Asian, 0.0022%; no homozygotes.

Submission:

PreventionGenetics, part of Exact Sciences
Classification: Likely benign for LMO7-related condition. Last evaluated: 2026-02-13. Review status: criteria provided, single submitter. Criteria: ACMG Guidelines, 2015. Collection method: clinical testing. Allele origin: germline.
Comment: This variant is classified as likely benign based on ACMG/AMP sequence variant interpretation guidelines (Richards et al. 2015 PMID: 25741868, with internal and published modifications).